The following is an entry in ClinVar:

NM_005045.4(RELN):c.1702A>G (p.Met568Val)

Gene: RELN (reelin; minus strand). Cytogenetic location: 7q22.1.
Variant type: single nucleotide variant.
Coding change: c.1702A>G on transcript NM_005045.4 (MANE Select); coding-DNA position 1702, A replaced by G.
Protein change: p.Met568Val; replaces methionine 568 with valine.
Molecular consequence: missense variant.
Genome position (GRCh38, 1-based): chr7:103,652,612, T>C on the plus strand (A>G on the coding strand, the complement: RELN is on the minus strand). VCF-style: chr7-103652612-T-C. GRCh37 (hg19) VCF-style: chr7-103293059-T-C.
Other names: c.1702A>G, p.Met568Val (NM_173054.3); short protein forms M568V.
Identifiers: ClinVar variation 2929856 (VCV002929856.5), dbSNP rs896528287, ClinGen allele CA163941024.

ClinVar aggregate classification (germline): Uncertain significance. Review status: criteria provided, multiple submitters, no conflicts (2 of 4 stars). 3 submissions from 3 submitters: Uncertain significance (3). Last evaluated 2026-09-01.

Conditions:
Norman-Roberts syndrome (LIS2). Also called: Lissencephaly 2 (Norman-Roberts type). Identifiers: Orphanet 89844, MedGen C0796089, MONDO:0009760, OMIM 257320.
Familial temporal lobe epilepsy 7. Identifiers: Orphanet 101046, MedGen C4225327, MONDO:0014639, OMIM 616436.

Allele frequency attached by ClinVar (database versions not stated): gnomAD exomes 0.00001; TOPMed 0.00002; gnomAD 0.00003.
gnomAD v4.1: 20 of 1,612,742 alleles (0.0012%); highest among the groups gnomAD compares: Non-Finnish European, 0.0017%; no homozygotes.

Submissions (3):

CeGaT Center for Human Genetics Tuebingen
Classification: Uncertain significance. Last evaluated: 2026-09-01. Review status: criteria provided, single submitter. Criteria: CeGaT Center For Human Genetics Tuebingen Variant Classification Criteria Version 2. Collection method: clinical testing. Allele origin: germline. Affected: yes. Observed: 1 variant allele.
Comment: RELN: PP3

Labcorp Genetics (formerly Invitae), Labcorp
Classification: Uncertain significance for Familial temporal lobe epilepsy 7; Norman-Roberts syndrome. Last evaluated: 2025-07-28. Review status: criteria provided, single submitter. Criteria: Invitae Variant Classification Sherloc (09022015). Collection method: clinical testing. Allele origin: germline.
Comment: This sequence change replaces methionine, which is neutral and non-polar, with valine, which is neutral and non-polar, at codon 568 of the RELN protein (p.Met568Val). This variant is not present in population databases (gnomAD no frequency). This variant has not been reported in the literature in individuals affected with RELN-related conditions. ClinVar contains an entry for this variant (Variation ID: 2929856). Invitae Evidence Modeling of protein sequence and biophysical properties (such as structural, functional, and spatial information, amino acid conservation, physicochemical variation, residue mobility, and thermodynamic stability) indicates that this missense variant is not expected to disrupt RELN protein function with a negative predictive value of 80%. Algorithms developed to predict the effect of sequence changes on RNA splicing suggest that this variant may disrupt the consensus splice site. In summary, the available evidence is currently insufficient to determine the role of this variant in disease. Therefore, it has been classified as a Variant of Uncertain Significance.

Women's Health and Genetics/Laboratory Corporation of America, LabCorp
Classification: Uncertain significance. Last evaluated: 2025-05-14. Review status: criteria provided, single submitter. Criteria: LabCorp Variant Classification Summary - May 2015. Collection method: clinical testing. Allele origin: germline.
Comment: Variant summary: RELN c.1702A>G (p.Met568Val) results in a conservative amino acid change in the encoded protein sequence. Algorithms developed to predict the effect of missense changes on protein structure and function all suggest that this variant is likely to be tolerated. The variant was absent in 250626 control chromosomes. The available data on variant occurrences in the general population are insufficient to allow any conclusion about variant significance. To our knowledge, no occurrence of c.1702A>G in individuals affected with Epilepsy Familial Temporal Lobe 7 and no experimental evidence demonstrating its impact on protein function have been reported. ClinVar contains an entry for this variant (Variation ID: 2929856). Based on the evidence outlined above, the variant was classified as uncertain significance.